The following is an entry in ClinVar:

ClinVar aggregate classification (germline): Uncertain significance. Review status: criteria provided, multiple submitters, no conflicts (2 of 4 stars). 2 submissions from 2 submitters: Uncertain significance (2). Last evaluated 2025-07-27.

Conditions:
Inborn genetic diseases. Identifiers: MedGen C0950123, MeSH D030342.

gnomAD v4.1: 7 of 1,613,244 alleles (0.00043%); highest among the groups gnomAD compares: Middle Eastern, 0.017%; no homozygotes.

Submissions (2):

Labcorp Genetics (formerly Invitae), Labcorp
Classification: Uncertain significance. Last evaluated: 2025-07-27. Review status: criteria provided, single submitter. Criteria: Invitae Variant Classification Sherloc (09022015). Collection method: clinical testing. Allele origin: germline.
Comment: This sequence change replaces glycine, which is neutral and non-polar, with serine, which is neutral and polar, at codon 629 of the SEC24D protein (p.Gly629Ser). This variant is present in population databases (rs752422283, gnomAD 0.01%). This variant has not been reported in the literature in individuals affected with SEC24D-related conditions. ClinVar contains an entry for this variant (Variation ID: 3439185). An algorithm developed to predict the effect of missense changes on protein structure and function outputs the following: PolyPhen-2: "Benign". The serine amino acid residue is found in multiple mammalian species, which suggests that this missense change does not adversely affect protein function. In summary, the available evidence is currently insufficient to determine the role of this variant in disease. Therefore, it has been classified as a Variant of Uncertain Significance.

Ambry Genetics
Classification: Uncertain significance for Inborn genetic diseases. Last evaluated: 2024-10-16. Review status: criteria provided, single submitter. Criteria: Ambry Variant Classification Scheme 2023. Collection method: clinical testing. Allele origin: germline.

NM_014822.4(SEC24D):c.1885G>A (p.Gly629Ser)

Gene: SEC24D (SEC24 homolog D, COPII component; minus strand). Cytogenetic location: 4q26.
Variant type: single nucleotide variant.
Coding change: c.1885G>A on transcript NM_014822.4 (MANE Select); coding-DNA position 1885, G replaced by A.
Protein change: p.Gly629Ser; replaces glycine 629 with serine.
Molecular consequence: missense variant.
Genome position (GRCh38, 1-based): chr4:118,744,098, C>T on the plus strand (G>A on the coding strand, the complement: SEC24D is on the minus strand). VCF-style: chr4-118744098-C-T. GRCh37 (hg19) VCF-style: chr4-119665253-C-T.
Other names: c.1888G>A, p.Gly630Ser (NM_001318066.2); short protein forms G629S, G630S.
Identifiers: ClinVar variation 3439185 (VCV003439185.2).